The following is an entry in ClinVar:

NM_001114753.3(ENG):c.1220G>A (p.Ser407Asn)

Genes: ENG (endoglin; minus strand), LOC102723566 (uncharacterized LOC102723566; plus strand). Cytogenetic location: 9q34.11.
Variant type: single nucleotide variant.
Coding change: c.1220G>A on transcript NM_001114753.3 (MANE Select); coding-DNA position 1220, G replaced by A.
Protein change: p.Ser407Asn; replaces serine 407 with asparagine.
Molecular consequence: missense variant.
Genome position (GRCh38, 1-based): chr9:127,819,952, C>T on the plus strand (G>A on the coding strand, the complement: ENG is on the minus strand). VCF-style: chr9-127819952-C-T. GRCh37 (hg19) VCF-style: chr9-130582231-C-T.
Other names: c.1220G>A, p.Ser407Asn (NM_000118.4); c.674G>A, p.Ser225Asn (NM_001278138.2); short protein forms S407N, S225N.
Identifiers: ClinVar variation 458331 (VCV000458331.11), dbSNP rs1554809516, ClinGen allele CA374978426.
Genomic context (GRCh38, chr9:127,819,952, plus strand): 5'-GCTCTTACCTCATTGCTGATCATACTTGCTGACACCTGCATGCCACAGCTGGAGTAAGCA[C>T]TGCGCAAGACAAACTTGTCACCCCTGTCCTCTGCCTCACAGCTGGGGTCCCAGAAGGTCA-3'
Protein context (NP_001108225.1, residues 397-417): EDRGDKFVLR[Ser407Asn]AYSSCGMQVS

ClinVar aggregate classification (germline): Likely pathogenic. Review status: criteria provided, multiple submitters, no conflicts (2 of 4 stars). 2 submissions from 2 submitters: Likely pathogenic (2). Last evaluated 2024-08-08.

Conditions:
Hereditary hemorrhagic telangiectasia (HHT). Also called: ORW DISEASE; Osler Weber Rendu syndrome; OSLER-RENDU-WEBER DISEASE; Osler hemorrhagic telangiectasia syndrome. Identifiers: Orphanet 774, MedGen C0039445, MONDO:0019180. Disease mechanism: loss of function.
Telangiectasia, hereditary hemorrhagic, type 1 (HHT1). Also called: Osler Weber Rendu syndrome type 1; ENG-Related Hereditary Hemorrhagic Telangiectasia. Identifiers: Orphanet 774, MedGen C4551861, MONDO:0008535, OMIM 187300. Disease mechanism: loss of function.

Submissions (2):

MVZ Martinsried, Medicover Genetics
Classification: Likely pathogenic for Telangiectasia, hereditary hemorrhagic, type 1. Last evaluated: 2024-08-08. Review status: criteria provided, single submitter. Criteria: ACGS Guidelines, 2020. Collection method: clinical testing. Allele origin: unknown. Affected: yes.

Labcorp Genetics (formerly Invitae), Labcorp
Classification: Likely pathogenic for Hereditary hemorrhagic telangiectasia. Last evaluated: 2018-01-01. Review status: criteria provided, single submitter. Criteria: Invitae Variant Classification Sherloc (09022015). Collection method: clinical testing. Allele origin: germline.
Comment: In summary, the currently available evidence indicates that the variant is pathogenic, but additional data are needed to prove that conclusively. Therefore, this variant has been classified as Likely Pathogenic. Experimental studies using activated monocytes isolated from a carrier individual indicate that this variant leads to a defect in the maturation of the ENG protein and its traffic to the cell membrane. However, transient over-expression experiments using HeLa cells in culture show that it does not interfere with protein transport into the cell membrane in that system (PMID: 22022569). The clinical relevance of these findings is uncertain. This variant has been reported in several individuals affected with hereditary hemorrhagic telangiectasia and to segregate with the disease in one family (PMID: 11440987, 16542389 , 16690726 , 22991266). This variant is not present in population databases (ExAC no frequency). This sequence change replaces serine with asparagine at codon 407 of the ENG protein (p.Ser407Asn). The serine residue is moderately conserved and there is a small physicochemical difference between serine and asparagine.

Literature cited by the submitters: PubMed 22022569 (cited by Labcorp Genetics (formerly Invitae), Labcorp); PubMed 11440987 (cited by Labcorp Genetics (formerly Invitae), Labcorp); PubMed 16542389 (cited by Labcorp Genetics (formerly Invitae), Labcorp); PubMed 16690726 (cited by Labcorp Genetics (formerly Invitae), Labcorp); PubMed 22991266 (cited by Labcorp Genetics (formerly Invitae), Labcorp).